The following is an entry in ClinVar:

ClinVar aggregate classification (germline): Uncertain significance (1 of 4 stars; one submission).

Conditions:
Cardiovascular phenotype. Identifiers: MedGen CN230736.

gnomAD v4.1: 4 of 1,614,050 alleles (0.00025%); highest among the groups gnomAD compares: Non-Finnish European, 0.00034%; no homozygotes.

Submission:

Ambry Genetics
Classification: Uncertain significance for Cardiovascular phenotype. Last evaluated: 2020-03-27. Review status: criteria provided, single submitter. Criteria: Ambry Variant Classification Scheme 2023. Collection method: clinical testing. Allele origin: germline.
Comment: The p.G4016V variant (also known as c.12047G>T), located in coding exon 19 of the ALMS1 gene, results from a G to T substitution at nucleotide position 12047. The glycine at codon 4016 is replaced by valine, an amino acid with dissimilar properties. This amino acid position is poorly conserved in available vertebrate species. In addition, this alteration is predicted to be tolerated by in silico analysis. Since supporting evidence is limited at this time, the clinical significance of this alteration remains unclear.

NM_001378454.1(ALMS1):c.12044G>T (p.Gly4015Val)

Genes: ALMS1 (ALMS1 centrosome and basal body associated protein; plus strand), LOC126806252 (BRD4-independent group 4 enhancer GRCh37_chr2:73828496-73829695; plus strand). Cytogenetic location: 2p13.1.
Variant type: single nucleotide variant.
Coding change: c.12044G>T on transcript NM_001378454.1 (MANE Select); coding-DNA position 12044, G replaced by T.
Protein change: p.Gly4015Val; replaces glycine 4015 with valine.
Molecular consequence: missense variant.
Genome position (GRCh38, 1-based): chr2:73,601,366, G>T. VCF-style: chr2-73601366-G-T. GRCh37 (hg19) VCF-style: chr2-73828493-G-T.
Other names: c.12047G>T, p.Gly4016Val (NM_015120.4); short protein forms G4015V, G4016V.
Identifiers: ClinVar variation 1748301 (VCV001748301.2), dbSNP rs200462734, ClinGen allele CA347266698.